The following is an entry in ClinVar:

ClinVar aggregate classification (germline): Uncertain significance (1 of 4 stars; one submission).

Submission:

GeneDx
Classification: Uncertain significance. Last evaluated: 2021-10-26. Review status: criteria provided, single submitter. Criteria: GeneDx Variant Classification Process June 2021. Collection method: clinical testing. Allele origin: germline. Affected: yes.
Comment: Has not been previously published as pathogenic or benign to our knowledge; In-frame deletion of 3 amino acids in a repetitive region with no known function

NM_001303052.2(MYT1L):c.465_473del (p.Glu165_Glu167del)

Gene: MYT1L (myelin transcription factor 1 like; minus strand). Cytogenetic location: 2p25.3.
Variant type: Deletion.
Coding change: c.465_473del on transcript NM_001303052.2 (MANE Select); coding-DNA positions 465 to 473, 9 bases deleted (AGAGGAGGA; older notation c.465_473delAGAGGAGGA).
Protein change: p.Glu165_Glu167del.
Molecular consequence: inframe deletion.
Genome position (GRCh38, 1-based): chr2:1,943,014-1,943,022, TCCTCCTCT deleted on the plus strand (AGAGGAGGA on the coding strand, the reverse complement: MYT1L is on the minus strand); deleting any 9 consecutive bases within chr2:1,943,014-1,943,027 gives the same sequence; the c. name uses the placement nearest the transcript's 3' end. VCF-style (leftmost placement, unchanged base first): chr2-1943013-CTCCTCCTCT-C. GRCh37 (hg19) VCF-style: chr2-1946785-CTCCTCCTCT-C.
Other names: c.465_473del, p.Glu165_Glu167del (NM_001329844.2, NM_001329845.1, NM_001329846.3 and 6 more transcripts).
Identifiers: ClinVar variation 1683874 (VCV001683874.2), dbSNP rs779800803, ClinGen allele CA1514394.